The following is an entry in ClinVar:

ClinVar aggregate classification (germline): Likely benign. Review status: criteria provided, single submitter (1 of 4 stars). 2 submissions from 2 submitters: Likely benign (1). 1 of the submissions does not count toward it. Last evaluated 2018-01-15.

Conditions:
PCM1-related disorder. Also called: PCM1-related condition.

Allele frequency attached by ClinVar (database versions not stated): gnomAD exomes 0.00007 and 0.00039; ESP Exome Variant Server 0.00008; gnomAD 0.00031 and 0.00034; TOPMed 0.00034; ExAC 0.00037; 1000 Genomes Project 30x 0.00078; 1000 Genomes Project 0.00080.
gnomAD v4.1: 360 of 1,613,278 alleles (0.022%); highest among the groups gnomAD compares: East Asian, 0.24%; 14 homozygotes.

Submissions (2):

Labcorp Genetics (formerly Invitae), Labcorp
Classification: Likely benign. Last evaluated: 2018-01-15. Review status: criteria provided, single submitter. Criteria: Invitae Variant Classification Sherloc (09022015). Collection method: clinical testing. Allele origin: germline.

PreventionGenetics, part of Exact Sciences
Classification: Likely benign for PCM1-related condition. Last evaluated: 2023-03-29. Review status: no assertion criteria provided. Collection method: clinical testing. Allele origin: germline. Not counted in ClinVar's aggregate classification.
Comment: This variant is classified as likely benign based on ACMG/AMP sequence variant interpretation guidelines (Richards et al. 2015 PMID: 25741868, with internal and published modifications).

NM_006197.4(PCM1):c.3520A>G (p.Thr1174Ala)

Gene: PCM1 (pericentriolar material 1; plus strand). Cytogenetic location: 8p22.
Variant type: single nucleotide variant.
Coding change: c.3520A>G on transcript NM_006197.4 (MANE Select); coding-DNA position 3520, A replaced by G.
Protein change: p.Thr1174Ala; replaces threonine 1174 with alanine.
Molecular consequence: missense variant. On other transcripts: non-coding transcript variant (1).
Genome position (GRCh38, 1-based): chr8:17,969,684, A>G. VCF-style: chr8-17969684-A-G. GRCh37 (hg19) VCF-style: chr8-17827193-A-G.
Other names: c.3520A>G, p.Thr1174Ala (NM_001315507.2, NM_001352634.2, NM_001352639.2 and 13 more transcripts); c.3523A>G, p.Thr1175Ala (NM_001315508.2, NM_001352635.2, NM_001352640.2 and 2 more transcripts); c.3637A>G, p.Thr1213Ala (NM_001352632.2, NM_001352633.2, NM_001352637.2 and 4 more transcripts); c.3640A>G, p.Thr1214Ala (NM_001352636.2); c.3637A>G (NM_001352632.1); short protein forms T1175A, T1174A, T1214A, T1213A.
Identifiers: ClinVar variation 773759 (VCV000773759.5), dbSNP rs143680240, ClinGen allele CA4649514.